The following is an entry in ClinVar:

ClinVar aggregate classification (somatic clinical impact): Tier I - Strong (1 of 4 stars; one submission).

Conditions:
Diffuse midline glioma, H3 K27M-mutant. Identifiers: MedGen C4289688, MONDO:0957196.

Submission:

Institute for Genomic Medicine (IGM) Clinical Laboratory, Nationwide Children's Hospital
Classification: Tier I - Strong for Diffuse midline glioma, H3 K27M-mutant. Assertion type: diagnostic. Clinical significance: supports diagnosis. Last evaluated: 2025-11-04. Review status: criteria provided, single submitter. Criteria: AMP/ASCO/CAP Guidelines, 2017. Collection method: clinical testing. Allele origin: somatic. Affected: yes.
Comment: Variant has Tier I (strong) clinical significance as a diagnostic inclusion criterion in diffuse midline glioma, H3 K27M-mutant, based on the following evidence: 1) Appears in one or more well-established professional guidelines (e.g., World Health Organization [WHO]; National Comprehensive Cancer Network [NCCN]) as providing diagnostic, prognostic, or therapeutic information. 2) Diagnostic for a specific tumor type/classification based on well-powered studies with expert-level consensus (Evidence Level B; PMIDs: 28966033, 31348837, 24880341, 37524847, 28912153, 24705250).

Literature cited by the submitters: PubMed 28966033; PubMed 31348837; PubMed 24880341; PubMed 37524847; PubMed 28912153; PubMed 24705250.

NM_023110.3(FGFR1):c.1964_1967delinsTTAT (p.Lys655_Lys656delinsIleMet)

Gene: FGFR1 (fibroblast growth factor receptor 1; minus strand). Cytogenetic location: 8p11.23.
Variant type: Indel.
Coding change: c.1964_1967delinsTTAT on transcript NM_023110.3 (MANE Select); coding-DNA positions 1964 to 1967, AAAA replaced by TTAT.
Protein change: p.Lys655_Lys656delinsIleMet.
Molecular consequence: missense variant.
Genome position (GRCh38, 1-based): chr8:38,414,789-38,414,792, TTTT replaced by ATAA on the plus strand (AAAA replaced by TTAT on the coding strand, the reverse complement: FGFR1 is on the minus strand). VCF-style: chr8-38414789-TTTT-ATAA. GRCh37 (hg19) VCF-style: chr8-38272307-TTTT-ATAA.
Other names: c.1958_1961delinsTTAT, p.Lys653_Lys654delinsIleMet (NM_001174063.2, NM_001174065.2, NM_001354367.2 and 1 more transcripts); c.1934_1937delinsTTAT, p.Lys645_Lys646delinsIleMet (NM_001174064.2); c.1697_1700delinsTTAT, p.Lys566_Lys567delinsIleMet (NM_001174066.2, NM_023105.3); c.2057_2060delinsTTAT, p.Lys686_Lys687delinsIleMet (NM_001174067.2); c.1685_1688delinsTTAT, p.Lys562_Lys563delinsIleMet (NM_001354368.2); c.1952_1955delinsTTAT, p.Lys651_Lys652delinsIleMet (NM_001354369.2, NM_001410922.1); c.1691_1694delinsTTAT, p.Lys564_Lys565delinsIleMet (NM_001354370.2, NM_023106.3).
Identifiers: ClinVar variation 4530561 (VCV004530561.1).